The following is an entry in ClinVar:

NM_001035.3(RYR2):c.12475C>A (p.Gln4159Lys)

Genes: RYR2 (ryanodine receptor 2; plus strand), LOC126806068 (BRD4-independent group 4 enhancer GRCh37_chr1:237947411-237948610; plus strand). Cytogenetic location: 1q43.
Variant type: single nucleotide variant.
Coding change: c.12475C>A on transcript NM_001035.3 (MANE Select); coding-DNA position 12475, C replaced by A.
Protein change: p.Gln4159Lys; replaces glutamine 4159 with lysine.
Molecular consequence: missense variant.
Genome position (GRCh38, 1-based): chr1:237,784,187, C>A. VCF-style: chr1-237784187-C-A. GRCh37 (hg19) VCF-style: chr1-237947487-C-A.
Other names: short protein forms Q4159K.
Identifiers: ClinVar variation 2169498 (VCV002169498.4), dbSNP rs2527784909, ClinGen allele CA345413416.
Genomic context (GRCh38, chr1:237,784,187, plus strand): 5'-ATGGGAAGCGCCAAACGCATCGAGAGGGTCTATTTTGAAATCAGTGAGTCCAGCCGAACC[C>A]AGTGGGAGAAGCCCCAGGTCAAGGAGTCCAAAAGACAGTTCATATTTGACGTGGTCAACG-3'
Protein context (NP_001026.2, residues 4149-4169): YFEISESSRT[Gln4159Lys]WEKPQVKESK

ClinVar aggregate classification (germline): Pathogenic (1 of 4 stars; one submission).

Conditions:
Catecholaminergic polymorphic ventricular tachycardia 1. Also called: VENTRICULAR TACHYCARDIA, STRESS-INDUCED POLYMORPHIC 1; RYR2-Related Catecholaminergic Polymorphic Ventricular Tachycardia; VENTRICULAR TACHYCARDIA, CATECHOLAMINERGIC POLYMORPHIC, 1, WITH OR WITHOUT ATRIAL DYSFUNCTION AND/OR DILATED CARDIOMYOPATHY. Identifiers: Orphanet 3286, MedGen C1631597, MONDO:0011484, OMIM 604772.

Submission:

Labcorp Genetics (formerly Invitae), Labcorp
Classification: Pathogenic for Catecholaminergic polymorphic ventricular tachycardia 1. Last evaluated: 2021-12-22. Review status: criteria provided, single submitter. Criteria: Invitae Variant Classification Sherloc (09022015). Collection method: clinical testing. Allele origin: germline.
Comment: For these reasons, this variant has been classified as Pathogenic. This variant disrupts the p.Gln4159 amino acid residue in RYR2. Other variant(s) that disrupt this residue have been determined to be pathogenic (PMID: 24793461, 27733687). This suggests that this residue is clinically significant, and that variants that disrupt this residue are likely to be disease-causing. Advanced modeling of protein sequence and biophysical properties (such as structural, functional, and spatial information, amino acid conservation, physicochemical variation, residue mobility, and thermodynamic stability) performed at Invitae indicates that this missense variant is expected to disrupt RYR2 protein function. This missense change has been observed in individuals with catecholaminergic polymorphic ventricular tachycardia (PMID: 29434162; Invitae). This variant is not present in population databases (gnomAD no frequency). This sequence change replaces glutamine, which is neutral and polar, with lysine, which is basic and polar, at codon 4159 of the RYR2 protein (p.Gln4159Lys).

Literature cited by the submitters: PubMed 24793461; PubMed 27733687; PubMed 29434162.